The following is an entry in ClinVar:

ClinVar aggregate classification (germline): Uncertain significance. Review status: criteria provided, multiple submitters, no conflicts (2 of 4 stars). 2 submissions from 2 submitters: Uncertain significance (2). Last evaluated 2024-07-23.

Conditions:
Cardiovascular phenotype. Identifiers: MedGen CN230736.
Distal myopathy with posterior leg and anterior hand involvement. Also called: WILLIAMS DISTAL MYOPATHY. Identifiers: Orphanet 63273, MedGen C3279722, MONDO:0013550, OMIM 614065.
Hypertrophic cardiomyopathy 26. Also called: Cardiomyopathy, familial hypertrophic, 26. Identifiers: Orphanet 75249, MedGen C4310749, MONDO:0014883, OMIM 617047.
Myofibrillar myopathy 5. Also called: FILAMINOPATHY, AUTOSOMAL DOMINANT; Filaminopathy (type). Identifiers: Orphanet 171445, MedGen C1836050, MONDO:0012289, OMIM 609524.

Submissions (2):

Labcorp Genetics (formerly Invitae), Labcorp
Classification: Uncertain significance for Distal myopathy with posterior leg and anterior hand involvement; Myofibrillar myopathy 5; Hypertrophic cardiomyopathy 26. Last evaluated: 2024-07-23. Review status: criteria provided, single submitter. Criteria: Invitae Variant Classification Sherloc (09022015). Collection method: clinical testing. Allele origin: germline.
Comment: This sequence change replaces serine, which is neutral and polar, with asparagine, which is neutral and polar, at codon 1940 of the FLNC protein (p.Ser1940Asn). This variant is not present in population databases (gnomAD no frequency). This variant has not been reported in the literature in individuals affected with FLNC-related conditions. Advanced modeling of protein sequence and biophysical properties (such as structural, functional, and spatial information, amino acid conservation, physicochemical variation, residue mobility, and thermodynamic stability) has been performed at Invitae for this missense variant, however the output from this modeling did not meet the statistical confidence thresholds required to predict the impact of this variant on FLNC protein function. In summary, the available evidence is currently insufficient to determine the role of this variant in disease. Therefore, it has been classified as a Variant of Uncertain Significance.

Ambry Genetics
Classification: Uncertain significance for Cardiovascular phenotype. Last evaluated: 2023-10-16. Review status: criteria provided, single submitter. Criteria: Ambry Variant Classification Scheme 2023. Collection method: clinical testing. Allele origin: germline.
Comment: The p.S1940N variant (also known as c.5819G>A), located in coding exon 35 of the FLNC gene, results from a G to A substitution at nucleotide position 5819. The serine at codon 1940 is replaced by asparagine, an amino acid with highly similar properties. This amino acid position is conserved. In addition, the in silico prediction for this alteration is inconclusive. Since supporting evidence is limited at this time, the clinical significance of this alteration remains unclear.

NM_001458.5(FLNC):c.5819G>A (p.Ser1940Asn)

Genes: FLNC-AS1 (FLNC antisense RNA 1; minus strand), FLNC (filamin C; plus strand). Cytogenetic location: 7q32.1.
Variant type: single nucleotide variant.
Coding change: c.5819G>A on transcript NM_001458.5 (MANE Select); coding-DNA position 5819, G replaced by A.
Protein change: p.Ser1940Asn; replaces serine 1940 with asparagine.
Molecular consequence: missense variant.
Genome position (GRCh38, 1-based): chr7:128,851,605, G>A. VCF-style: chr7-128851605-G-A. GRCh37 (hg19) VCF-style: chr7-128491659-G-A.
Other names: c.5720G>A, p.Ser1907Asn (NM_001127487.2); short protein forms S1907N, S1940N.
Identifiers: ClinVar variation 3221742 (VCV003221742.3), dbSNP rs2128938494, ClinGen allele CA369208591.